The following is an entry in ClinVar:

NM_006445.4(PRPF8):c.6172_6283del112 (p.Asn2061fs)

Gene: PRPF8 (pre-mRNA processing factor 8; minus strand). Cytogenetic location: 17p13.3.
Variant type: Deletion.
Coding change: c.6172_6283del112 on transcript NM_006445.4 (MANE Select); coding-DNA positions 6172 to 6283, 112 bases deleted.
Protein change: p.Asn2061fs; shifts the reading frame from asparagine 2061.
Molecular consequence: frameshift variant, splice acceptor variant, splice donor variant.
Genome position: GRCh38: chr17:1,653,628-1,653,832. GRCh37 (hg19): chr17:1,556,922-1,557,126.
Other names: short protein forms N2061fs.
Identifiers: ClinVar variation 2809543 (VCV002809543.3), ClinGen allele CA2739267040.

ClinVar aggregate classification (germline): Pathogenic (1 of 4 stars; one submission).

Submission:

Labcorp Genetics (formerly Invitae), Labcorp
Classification: Pathogenic. Last evaluated: 2024-04-17. Review status: criteria provided, single submitter. Criteria: Invitae Variant Classification Sherloc (09022015). Collection method: clinical testing. Allele origin: germline.
Comment: This variant results in the deletion of part of exons 38-39 (c.6174_6285del) of the PRPF8 gene. This deletion is out-of-frame, and is expected to create a premature termination codon and result in an absent or disrupted protein product. Loss-of-function variants in PRPF8 are known to be pathogenic (PMID: 27208204, 31054281, 33946315). This variant is not present in population databases (gnomAD no frequency). A similar copy number variant has been observed in individual(s) with clinical features of retinitis pigmentosa (Invitae). For these reasons, this variant has been classified as Pathogenic.

Literature cited by the submitters: PubMed 27208204; PubMed 31054281; PubMed 33946315.